The following is an entry in ClinVar:

ClinVar aggregate classification (germline): Likely benign. Review status: reviewed by expert panel (3 of 4 stars). 3 submissions from 3 submitters: Likely benign (1). 2 of the submissions do not count toward it. Last evaluated 2017-06-29.

Conditions:
Hereditary cancer-predisposing syndrome. Also called: Hereditary Cancer Syndrome; Neoplastic Syndromes, Hereditary; Tumor predisposition; Hereditary neoplastic syndrome. Identifiers: Orphanet 140162, MedGen C0027672, MeSH D009386, MONDO:0015356.
Breast-ovarian cancer, familial, susceptibility to, 2 (BROVCA2). Also called: BRCA2 Hereditary Breast and Ovarian Cancer. Identifiers: Orphanet 145, MedGen C2675520, MONDO:0012933, OMIM 612555. Disease mechanism: loss of function.
Hereditary breast ovarian cancer syndrome. Also called: Hereditary breast and/or ovarian cancer syndrome; BRCA1- and BRCA2-Associated Hereditary Breast and Ovarian Cancer; Hereditary breast and ovarian cancer syndrome (HBOC); Hereditary breast and ovarian cancer; Hereditary breast and ovarian cancer syndrome; Breast and ovarian cancer. Identifiers: Orphanet 145, MedGen C0677776, MeSH D061325, MONDO:0003582. Disease mechanism: loss of function.

Allele frequency attached by ClinVar (database versions not stated): gnomAD 0.00001; TOPMed 0.00001.

Submissions (3):

Evidence-based Network for the Interpretation of Germline Mutant Alleles (ENIGMA)
Classification: Likely benign for Breast-ovarian cancer, familial, susceptibility to, 2. Last evaluated: 2017-06-29. Review status: reviewed by expert panel. Criteria: ENIGMA BRCA1/2 Classification Criteria (2017-06-29). Collection method: curation. Allele origin: germline.
Comment: Synonymous substitution variant, with low bioinformatic likelihood to result in a splicing aberration (Splicing prior probability 0.02).

Labcorp Genetics (formerly Invitae), Labcorp
Classification: Likely benign for Hereditary breast ovarian cancer syndrome. Last evaluated: 2025-11-25. Review status: criteria provided, single submitter. Criteria: Invitae Variant Classification Sherloc (09022015). Collection method: clinical testing. Allele origin: germline. Not counted in ClinVar's aggregate classification.

Ambry Genetics
Classification: Likely benign for Hereditary cancer-predisposing syndrome. Last evaluated: 2020-03-17. Review status: criteria provided, single submitter. Criteria: Ambry Variant Classification Scheme 2023. Collection method: clinical testing. Allele origin: germline. Not counted in ClinVar's aggregate classification.

NM_000059.4(BRCA2):c.8565G>C (p.Val2855=)

Gene: BRCA2 (BRCA2 DNA repair associated; plus strand). Cytogenetic location: 13q13.1.
Variant type: single nucleotide variant.
Coding change: c.8565G>C on transcript NM_000059.4 (MANE Select); coding-DNA position 8565, G replaced by C.
Protein change: p.Val2855=; no amino-acid change (valine 2855 retained).
Molecular consequence: synonymous variant.
Genome position (GRCh38, 1-based): chr13:32,371,033, G>C. VCF-style: chr13-32371033-G-C. GRCh37 (hg19) VCF-style: chr13-32945170-G-C.
Identifiers: ClinVar variation 232747 (VCV000232747.16), dbSNP rs786202532, ClinGen allele CA10579795.